The following is an entry in ClinVar:

ClinVar aggregate classification (germline): Uncertain significance (1 of 4 stars; one submission).

Conditions:
Long QT syndrome (LQTS). Identifiers: MedGen C0023976, MeSH D008133, MONDO:0002442. Disease mechanism: loss of function. Inheritance: Various modes of inheritance.

Submission:

Labcorp Genetics (formerly Invitae), Labcorp
Classification: Uncertain significance for Long QT syndrome. Last evaluated: 2024-08-12. Review status: criteria provided, single submitter. Criteria: Invitae Variant Classification Sherloc (09022015). Collection method: clinical testing. Allele origin: germline.
Comment: This sequence change replaces aspartic acid, which is acidic and polar, with glycine, which is neutral and non-polar, at codon 2992 of the ANK2 protein (p.Asp2992Gly). This variant is not present in population databases (gnomAD no frequency). This variant has not been reported in the literature in individuals affected with ANK2-related conditions. An algorithm developed to predict the effect of missense changes on protein structure and function outputs the following: PolyPhen-2: "Benign". The glycine amino acid residue is found in multiple mammalian species, which suggests that this missense change does not adversely affect protein function. In summary, the available evidence is currently insufficient to determine the role of this variant in disease. Therefore, it has been classified as a Variant of Uncertain Significance.

NM_001148.6(ANK2):c.8975A>G (p.Asp2992Gly)

Gene: ANK2 (ankyrin 2; plus strand). Cytogenetic location: 4q26.
Variant type: single nucleotide variant.
Coding change: c.8975A>G on transcript NM_001148.6 (MANE Select); coding-DNA position 8975, A replaced by G.
Protein change: p.Asp2992Gly; replaces aspartic acid 2992 with glycine.
Molecular consequence: missense variant. On other transcripts: intron variant (68).
Genome position (GRCh38, 1-based): chr4:113,357,593, A>G. VCF-style: chr4-113357593-A-G. GRCh37 (hg19) VCF-style: chr4-114278749-A-G.
Other names: c.8741A>G, p.Asp2914Gly (NM_001386142.1); c.5375A>G, p.Asp1792Gly (NM_001386166.1); c.9116A>G, p.Asp3039Gly (NM_001386174.1); c.9092A>G, p.Asp3031Gly (NM_001386175.1); c.4412-3230A>G (NM_001386186.2, NM_001386148.2); c.4214-3230A>G (NM_001354269.3); c.4292-3230A>G (NM_001386187.2); c.4253-3230A>G (NM_001386147.1); and 35 more; short protein forms D2992G, D1792G, D3031G, D3039G, D2914G.
Identifiers: ClinVar variation 3662088 (VCV003662088.2).
Genomic context (GRCh38, chr4:113,357,593, plus strand): 5'-TAGTGGCAAGCTCCTCTAGTGGAACTGTTTTAAGCAAAGAATCTAATTTTGAGGGCCAGG[A>G]CATAAAAATGGAATCCCAACAGGAAAGTACCTTGTGGGAAATGCAATCAGACAGTGTCTC-3'
Protein context (NP_001139.3, residues 2982-3002): LSKESNFEGQ[Asp2992Gly]IKMESQQEST